The following is an entry in ClinVar:

NM_002691.4(POLD1):c.1239C>T (p.Leu413=)

Gene: POLD1 (DNA polymerase delta 1, catalytic subunit; plus strand). Cytogenetic location: 19q13.33.
Variant type: single nucleotide variant.
Coding change: c.1239C>T on transcript NM_002691.4 (MANE Select); coding-DNA position 1239, C replaced by T.
Protein change: p.Leu413=; no amino-acid change (leucine 413 retained).
Molecular consequence: synonymous variant. On other transcripts: non-coding transcript variant (1).
Genome position (GRCh38, 1-based): chr19:50,403,594, C>T. VCF-style: chr19-50403594-C-T. GRCh37 (hg19) VCF-style: chr19-50906851-C-T.
Other names: c.1239C>T, p.Leu413= (NM_001256849.1, NM_001308632.1).
Identifiers: ClinVar variation 765584 (VCV000765584.14), dbSNP rs992994991, ClinGen allele CA309601353.

ClinVar aggregate classification (germline): Benign/Likely benign. Review status: criteria provided, multiple submitters, no conflicts (2 of 4 stars). 3 submissions from 3 submitters: Benign (1); Likely benign (2). Last evaluated 2026-01-10.

Conditions:
POLD1-related polyposis and colorectal cancer syndrome (CRCS10). Also called: Colorectal cancer, susceptibility to, 10; Colorectal cancer 10; COLORECTAL CANCER, SUSCEPTIBILITY TO, ON CHROMOSOME 19q. Identifiers: Orphanet 220460, MedGen C2675481, MONDO:0012953, OMIM 612591.
Hereditary cancer-predisposing syndrome. Also called: Hereditary Cancer Syndrome; Hereditary neoplastic syndrome; Neoplastic Syndromes, Hereditary; Tumor predisposition. Identifiers: Orphanet 140162, MedGen C0027672, MeSH D009386, MONDO:0015356.

Allele frequency attached by ClinVar (database versions not stated): TOPMed below 0.00001.

Submissions (3):

Labcorp Genetics (formerly Invitae), Labcorp
Classification: Likely benign for POLD1-related polyposis and colorectal cancer syndrome. Last evaluated: 2026-01-10. Review status: criteria provided, single submitter. Criteria: Invitae Variant Classification Sherloc (09022015). Collection method: clinical testing. Allele origin: germline.

Myriad Genetics, Inc.
Classification: Benign for POLD1-related polyposis and colorectal cancer syndrome. Last evaluated: 2025-02-05. Review status: criteria provided, single submitter. Criteria: Myriad Autosomal Dominant, Autosomal Recessive and X-Linked Classification Criteria (2023). Collection method: clinical testing. Allele origin: unknown.
Comment: This variant is considered benign. This variant is a silent/synonymous amino acid change and it is not expected to impact splicing.

Ambry Genetics
Classification: Likely benign for Hereditary cancer-predisposing syndrome. Last evaluated: 2020-01-07. Review status: criteria provided, single submitter. Criteria: Ambry Variant Classification Scheme 2023. Collection method: clinical testing. Allele origin: germline.